The following is an entry in ClinVar:

ClinVar aggregate classification (germline): Likely pathogenic (1 of 4 stars; one submission).

Submission:

Shaikh Laboratory, University of Colorado
Classification: Likely pathogenic. Last evaluated: 2015-10-22. Review status: criteria provided, single submitter. Criteria: Submitter's publication. Collection method: research. Allele origin: maternal. Inheritance: Other. Affected: yes. Observed: 2 variant alleles, 1 heterozygote, 1 compound heterozygote.
Comment: Mode of Inheritance: Other-Haploinsuficiency

NC_000002.12:g.(?_110649261)_(112345017_?)del

Genes: ACOXL (acyl-CoA oxidase like; plus strand), ACOXL-AS1 (ACOXL antisense RNA 1; minus strand), ANAPC1 (anaphase promoting complex subunit 1; minus strand), BCL2L11 (BCL2 like 11; plus strand), BUB1 (BUB1 mitotic checkpoint serine/threonine kinase; minus strand) and 47 more. Cytogenetic location: 2q13-14.1.
Variant type: Deletion.
Identifiers: ClinVar variation 223093 (VCV000223093.3).